The following is an entry in ClinVar:

ClinVar aggregate classification (germline): Uncertain significance (1 of 4 stars; one submission).

Conditions:
SNRNP200-related disorder. Also called: SNRNP200-related condition.

gnomAD v4.1: 3 of 1,614,136 alleles (0.00019%); highest among the groups gnomAD compares: African/African-American, 0.0013%; no homozygotes.

Submission:

PreventionGenetics, part of Exact Sciences
Classification: Uncertain significance for SNRNP200-related condition. Last evaluated: 2026-04-29. Review status: criteria provided, single submitter. Criteria: ACMG Guidelines, 2015. Collection method: clinical testing. Allele origin: germline.
Comment: The SNRNP200 c.5306A>G variant is predicted to result in the amino acid substitution p.Asn1769Ser. To our knowledge, this variant has not been reported in the literature. This variant is reported in 0.0062% of alleles in individuals of African descent in gnomAD. At this time, the clinical significance of this variant is uncertain due to the absence of conclusive functional and genetic evidence.

NM_014014.5(SNRNP200):c.5306A>G (p.Asn1769Ser)

Genes: SNRNP200 (small nuclear ribonucleoprotein U5 subunit 200; minus strand), LOC126806272 (BRD4-independent group 4 enhancer GRCh37_chr2:96944520-96945719; plus strand). Cytogenetic location: 2q11.2.
Variant type: single nucleotide variant.
Coding change: c.5306A>G on transcript NM_014014.5 (MANE Select); coding-DNA position 5306, A replaced by G.
Protein change: p.Asn1769Ser; replaces asparagine 1769 with serine.
Molecular consequence: missense variant.
Genome position (GRCh38, 1-based): chr2:96,278,826, T>C on the plus strand (A>G on the coding strand, the complement: SNRNP200 is on the minus strand). VCF-style: chr2-96278826-T-C. GRCh37 (hg19) VCF-style: chr2-96944564-T-C.
Other names: short protein forms N1769S.
Identifiers: ClinVar variation 4993696 (VCV004993696.1).